The following is an entry in ClinVar:

NM_000052.7(ATP7A):c.973_974del (p.Val326fs)

Gene: ATP7A (ATPase copper transporting alpha; plus strand). Cytogenetic location: Xq21.1.
Variant type: Deletion.
Coding change: c.973_974del on transcript NM_000052.7 (MANE Select); coding-DNA positions 973 to 974, 2 bases deleted (TC; older notation c.973_974delTC).
Protein change: p.Val326fs; shifts the reading frame from valine 326.
Molecular consequence: frameshift variant.
Genome position (GRCh38, 1-based): chrX:77,989,595-77,989,596, TC deleted; deleting any 2 consecutive bases within chrX:77,989,594-77,989,596 gives the same sequence; the c. name uses the placement nearest the transcript's 3' end. VCF-style (leftmost placement, unchanged base first): chrX-77989593-GCT-G. GRCh37 (hg19) VCF-style: chrX-77245089-GCT-G.
Other names: c.973_974del, p.Val326fs (NM_001282224.2); short protein forms V326fs.
Identifiers: ClinVar variation 1724989 (VCV001724989.3), dbSNP rs2522294115, ClinGen allele CA2580101465.
Genomic context (GRCh38, chrX:77,989,593, plus strand): 5'-ATGTAAGCAGCATAGTAGTTTCTTTAGAGAATAGGTCTGCCATTGTGAAGTATAATGCAA[GCT>G]CAGTCACTCCAGAATCCCTGAGAAAAGCAATAGAGGCTGTATCACCGGGGCTATATAGAG-3'

ClinVar aggregate classification (germline): Likely pathogenic (1 of 4 stars; one submission).

Conditions:
Menkes kinky-hair syndrome (MNK). Also called: Copper transport disease; Classic Menkes Disease; Menkes Disease. Identifiers: Orphanet 565, MedGen C0022716, MONDO:0010651, OMIM 309400.

Submission:

Myriad Genetics, Inc.
Classification: Likely pathogenic for Menkes kinky-hair syndrome. Last evaluated: 2022-03-04. Review status: criteria provided, single submitter. Criteria: Myriad Autosomal Dominant, Autosomal Recessive and X-Linked Classification Criteria (2023). Collection method: clinical testing. Allele origin: unknown.
Comment: NM_000052.5(ATP7A):c.973_974delTC(V326Hfs*18) is expected to be pathogenic in the context of ATP7A-related disorders. This variant is predicted to lead to an abnormal or absent protein product due to the creation of a premature termination codon in ATP7A, a gene where loss-of-function variants are known to be pathogenic. Please note: this variant was assessed in the context of healthy population screening.